The following is an entry in ClinVar:

ClinVar aggregate classification (germline): Pathogenic. Review status: criteria provided, single submitter (1 of 4 stars). 2 submissions from 2 submitters: Pathogenic (1). 1 of the submissions does not count toward it. Last evaluated 2025-05-18.

Conditions:
Joubert syndrome 13 (JBTS13). Identifiers: Orphanet 475, MedGen C3280031, MONDO:0013608, OMIM 614173.
Joubert syndrome. Also called: CEREBELLOPARENCHYMAL DISORDER IV; JOUBERT-BOLTSHAUSER SYNDROME; Familial aplasia of the vermis. Identifiers: Orphanet 475, MedGen C5979921, MONDO:0018772.
Meckel-Gruber syndrome. Also called: DYSENCEPHALIA SPLANCHNOCYSTICA; GRUBER SYNDROME; Dysencephalia splachnocystica. Identifiers: Orphanet 564, MedGen C0265215, MONDO:0018921.

Submissions (2):

Labcorp Genetics (formerly Invitae), Labcorp
Classification: Pathogenic for Joubert syndrome; Meckel-Gruber syndrome. Last evaluated: 2025-05-18. Review status: criteria provided, single submitter. Criteria: Invitae Variant Classification Sherloc (09022015). Collection method: clinical testing. Allele origin: germline.
Comment: This sequence change creates a premature translational stop signal (p.Trp463Valfs*58) in the TCTN1 gene. It is expected to result in an absent or disrupted protein product. Loss-of-function variants in TCTN1 are known to be pathogenic (PMID: 21725307, 22693042, 27894351). This variant is not present in population databases (gnomAD no frequency). This premature translational stop signal has been observed in individual(s) with Meckel–Gruber syndrome (PMID: 26123494). ClinVar contains an entry for this variant (Variation ID: 1252090). Algorithms developed to predict the effect of sequence changes on RNA splicing suggest that this variant may disrupt the consensus splice site. For these reasons, this variant has been classified as Pathogenic.

Genomic Medicine Center of Excellence, King Faisal Specialist Hospital and Research Centre
Classification: Pathogenic for Joubert syndrome 13. Last evaluated: 2021-04-29. Review status: no assertion criteria provided. Collection method: research. Allele origin: germline. Affected: yes. Not counted in ClinVar's aggregate classification.

Literature cited by the submitters: PubMed 21725307 (cited by Labcorp Genetics (formerly Invitae), Labcorp); PubMed 22693042 (cited by Labcorp Genetics (formerly Invitae), Labcorp); PubMed 27894351 (cited by Labcorp Genetics (formerly Invitae), Labcorp); PubMed 26123494 (cited by Labcorp Genetics (formerly Invitae), Labcorp).

NM_001082538.3(TCTN1):c.1385dup (p.Trp463fs)

Gene: TCTN1 (tectonic family member 1; plus strand). Cytogenetic location: 12q24.11.
Variant type: Duplication.
Coding change: c.1385dup on transcript NM_001082538.3 (MANE Select); coding-DNA position 1385, one base duplicated (T; older notation c.1385dupT).
Protein change: p.Trp463fs; shifts the reading frame from tryptophan 463.
Molecular consequence: frameshift variant. On other transcripts: non-coding transcript variant (1).
Genome position (GRCh38, 1-based): chr12:110,645,020, T duplicated. VCF-style (leftmost placement, unchanged base first): chr12-110645019-C-CT. GRCh37 (hg19) VCF-style: chr12-111082824-C-CT.
Other names: c.851dup, p.Trp285fs (NM_001319681.2); c.1343dup, p.Trp449fs (NM_024549.6); c.1385dup, p.Trp463fs (NM_001082537.3); c.1217dup, p.Trp407fs (NM_001173975.3); c.1058dup, p.Trp354fs (NM_001173976.2); c.1238dup, p.Trp414fs (NM_001319680.2); short protein forms W285fs, W354fs, W407fs, W414fs, W449fs, W463fs.
Identifiers: ClinVar variation 1252090 (VCV001252090.2), dbSNP rs2136171586, ClinGen allele CA2573053595.